The following is an entry in ClinVar:

NC_000020.10:g.(?_33564133)_(33574012_?)del

Gene: MYH7B (myosin heavy chain 7B; plus strand). Cytogenetic location: 20q11.22.
Variant type: Deletion.
Identifiers: ClinVar variation 3248340 (VCV003248340.1).

ClinVar aggregate classification (germline): Uncertain significance (1 of 4 stars; one submission).

Submission:

Labcorp Genetics (formerly Invitae), Labcorp
Classification: Uncertain significance. Last evaluated: 2023-07-11. Review status: criteria provided, single submitter. Criteria: Invitae Variant Classification Sherloc (09022015). Collection method: clinical testing. Allele origin: unknown.
Comment: This variant is a gross deletion of the genomic region encompassing exon(s) 4-14 of the MYH7B gene. This variant would be expected to be in-frame, preserving the integrity of the reading frame. This variant has not been reported in the literature in individuals affected with MYH7B-related conditions. Experimental studies and prediction algorithms are not available or were not evaluated, and the functional significance of this variant is currently unknown. In summary, the available evidence is currently insufficient to determine the role of this variant in disease. Therefore, it has been classified as a Variant of Uncertain Significance.